The following is an entry in ClinVar:

NM_152564.5(VPS13B):c.611A>G (p.Asn204Ser)

Gene: VPS13B (vacuolar protein sorting 13 homolog B; plus strand). Cytogenetic location: 8q22.2.
Variant type: single nucleotide variant.
Coding change: c.611A>G on transcript NM_152564.5 (MANE Select); coding-DNA position 611, A replaced by G.
Protein change: p.Asn204Ser; replaces asparagine 204 with serine.
Molecular consequence: missense variant. On other transcripts: non-coding transcript variant (1).
Genome position (GRCh38, 1-based): chr8:99,111,128, A>G. VCF-style: chr8-99111128-A-G. GRCh37 (hg19) VCF-style: chr8-100123356-A-G.
Other names: p.Asn204Ser; c.611A>G (NM_152564.4); c.611A>G, p.Asn204Ser (NM_015243.3, NM_017890.5, NM_181661.3); short protein forms N204S.
Identifiers: ClinVar variation 657815 (VCV000657815.11), dbSNP rs201363767, ClinGen allele CA4822442.

ClinVar aggregate classification (germline): Conflicting classifications of pathogenicity. Review status: criteria provided, conflicting classifications (1 of 4 stars). 6 submissions from 6 submitters: Uncertain significance (3); Likely benign (1). 2 of the submissions do not count toward it. Last evaluated 2025-10-15.

Conditions:
Inborn genetic diseases. Identifiers: MedGen C0950123, MeSH D030342.
Cohen syndrome (COH1). Also called: Cutis verticis gyrata, retinitis pigmentosa, and sensorineural deafness; PEPPER SYNDROME. Identifiers: Orphanet 193, MedGen C0265223, MONDO:0008999, OMIM 216550.
VPS13B-related disorder. Also called: VPS13B-related condition.

Allele frequency attached by ClinVar (database versions not stated): gnomAD 0.00005 and 0.00006; gnomAD exomes 0.00007 and 0.00011; ExAC 0.00012; TOPMed 0.00012; ESP Exome Variant Server 0.00015.
gnomAD v4.1: 104 of 1,604,712 alleles (0.0065%); highest among the groups gnomAD compares: East Asian, 0.016%; no homozygotes.

Submissions (6):

Mayo Clinic Laboratories, Mayo Clinic
Classification: Likely benign. Last evaluated: 2025-10-15. Review status: criteria provided, single submitter. Criteria: ACMG Guidelines, 2015. Collection method: clinical testing. Allele origin: germline. Observed: 1 variant allele.
Comment: BP1, BP4

Labcorp Genetics (formerly Invitae), Labcorp
Classification: Uncertain significance for Cohen syndrome. Last evaluated: 2024-12-02. Review status: criteria provided, single submitter. Criteria: Invitae Variant Classification Sherloc (09022015). Collection method: clinical testing. Allele origin: germline.
Comment: This sequence change replaces asparagine, which is neutral and polar, with serine, which is neutral and polar, at codon 204 of the VPS13B protein (p.Asn204Ser). This variant is present in population databases (rs201363767, gnomAD 0.04%). This variant has not been reported in the literature in individuals affected with VPS13B-related conditions. ClinVar contains an entry for this variant (Variation ID: 657815). Invitae Evidence Modeling of protein sequence and biophysical properties (such as structural, functional, and spatial information, amino acid conservation, physicochemical variation, residue mobility, and thermodynamic stability) indicates that this missense variant is not expected to disrupt VPS13B protein function with a negative predictive value of 80%. In summary, the available evidence is currently insufficient to determine the role of this variant in disease. Therefore, it has been classified as a Variant of Uncertain Significance.

Blueprint Genetics
Classification: Uncertain significance. Last evaluated: 2024-09-06. Review status: criteria provided, single submitter. Criteria: ACMG Guidelines, 2015. Collection method: clinical testing. Allele origin: germline.

Ambry Genetics
Classification: Uncertain significance for Inborn genetic diseases. Last evaluated: 2018-10-04. Review status: criteria provided, single submitter. Criteria: Ambry Variant Classification Scheme 2023. Collection method: clinical testing. Allele origin: germline.
Comment: The p.N204S variant (also known as c.611A>G), located in coding exon 5 of the VPS13B gene, results from an A to G substitution at nucleotide position 611. The asparagine at codon 204 is replaced by serine, an amino acid with highly similar properties. This amino acid position is highly conserved in available vertebrate species. In addition, this alteration is predicted to be tolerated by in silico analysis. Since supporting evidence is limited at this time, the clinical significance of this alteration remains unclear.

PreventionGenetics, part of Exact Sciences
Classification: Uncertain significance for VPS13B-related condition. Last evaluated: 2024-06-05. Review status: no assertion criteria provided. Collection method: clinical testing. Allele origin: germline. Not counted in ClinVar's aggregate classification.
Comment: The VPS13B c.611A>G variant is predicted to result in the amino acid substitution p.Asn204Ser. To our knowledge, this variant has not been reported in the literature. This variant is reported in 0.051% of alleles in individuals of East Asian descent in gnomAD, which may be too common to be a primary cause of disease. Although we suspect that this variant may be benign, at this time, the clinical significance of this variant is uncertain due to the absence of conclusive functional and genetic evidence.

Natera, Inc.
Classification: Uncertain significance for Cohen syndrome. Last evaluated: 2020-04-15. Review status: no assertion criteria provided. Collection method: clinical testing. Allele origin: germline. Not counted in ClinVar's aggregate classification.